The following is an entry in ClinVar:

NM_017946.4(FKBP14):c.468T>C (p.Ser156=)

Genes: FKBP14 (FKBP prolyl isomerase 14; minus strand), FKBP14-AS1 (FKBP14 antisense RNA 1; plus strand). Cytogenetic location: 7p14.3.
Variant type: single nucleotide variant.
Coding change: c.468T>C on transcript NM_017946.4 (MANE Select); coding-DNA position 468, T replaced by C.
Protein change: p.Ser156=; no amino-acid change (serine 156 retained).
Molecular consequence: synonymous variant. On other transcripts: non-coding transcript variant (2).
Genome position (GRCh38, 1-based): chr7:30,019,005, A>G on the plus strand (T>C on the coding strand, the complement: FKBP14 is on the minus strand). VCF-style: chr7-30019005-A-G. GRCh37 (hg19) VCF-style: chr7-30058621-A-G.
Identifiers: ClinVar variation 1617483 (VCV001617483.18), dbSNP rs1273014447, ClinGen allele CA454237043.
Genomic context (GRCh38, chr7:30,019,005, plus strand): 5'-CCAAACAACCAAAGAAAAGTAGAAAGAGGAGTAGGAAGAAGGAAAGGTCACCTCATCTTT[A>G]GAGAGTTTCCAGTCATCATTAAGATCCATTTCTTGGAATGATTCATGGGATCTTGGTCCA-3'
Protein context (NP_060416.1, residues 146-166): EMDLNDDWKL[Ser156=]KDEVKAYLKK

ClinVar aggregate classification (germline): Likely benign. Review status: criteria provided, multiple submitters, no conflicts (2 of 4 stars). 3 submissions from 3 submitters: Likely benign (3). Last evaluated 2025-10-02.

Conditions:
Cardiovascular phenotype. Identifiers: MedGen CN230736.
Ehlers-Danlos syndrome, kyphoscoliotic type, 2. Also called: Ehlers-Danlos syndrome, kyphoscoliotic and deafness type; Ehlers-Danlos syndrome with progressive kyphoscoliosis, myopathy, and hearing loss; FKBP14-Kyphoscoliotic Ehlers-Danlos Syndrome. Identifiers: Orphanet 300179, MedGen C3281160, MONDO:0013800, OMIM 614557.

Allele frequency attached by ClinVar (database versions not stated): gnomAD 0.00001; gnomAD exomes 0.00001; TOPMed 0.00001.
gnomAD v4.1: 16 of 1,609,348 alleles (0.00099%); highest among the groups gnomAD compares: Non-Finnish European, 0.0014%; no homozygotes.

Submissions (3):

Labcorp Genetics (formerly Invitae), Labcorp
Classification: Likely benign for Ehlers-Danlos syndrome, kyphoscoliotic type, 2. Last evaluated: 2025-10-02. Review status: criteria provided, single submitter. Criteria: Invitae Variant Classification Sherloc (09022015). Collection method: clinical testing. Allele origin: germline.

CeGaT Center for Human Genetics Tuebingen
Classification: Likely benign. Last evaluated: 2025-08-01. Review status: criteria provided, single submitter. Criteria: CeGaT Center For Human Genetics Tuebingen Variant Classification Criteria Version 2. Collection method: clinical testing. Allele origin: germline. Affected: yes. Observed: 1 variant allele.
Comment: FKBP14: BP4, BP7

Ambry Genetics
Classification: Likely benign for Cardiovascular phenotype. Last evaluated: 2021-05-07. Review status: criteria provided, single submitter. Criteria: Ambry Variant Classification Scheme 2023. Collection method: clinical testing. Allele origin: germline.